The following is an entry in ClinVar:

ClinVar aggregate classification (germline): Pathogenic. Review status: reviewed by expert panel (3 of 4 stars). 17 submissions from 17 submitters: Pathogenic (1). 16 of the submissions do not count toward it. Last evaluated 2016-09-08.

Conditions:
Hereditary cancer-predisposing syndrome. Also called: Neoplastic Syndromes, Hereditary; Tumor predisposition; Hereditary Cancer Syndrome; Hereditary neoplastic syndrome. Identifiers: Orphanet 140162, MedGen C0027672, MeSH D009386, MONDO:0015356.
Hereditary breast ovarian cancer syndrome. Also called: Hereditary breast and ovarian cancer; Breast and ovarian cancer; Hereditary breast and/or ovarian cancer syndrome; Hereditary breast and ovarian cancer syndrome (HBOC); Hereditary breast and ovarian cancer syndrome; BRCA1- and BRCA2-Associated Hereditary Breast and Ovarian Cancer. Identifiers: Orphanet 145, MedGen C0677776, MeSH D061325, MONDO:0003582. Disease mechanism: loss of function.
Breast-ovarian cancer, familial, susceptibility to, 2 (BROVCA2). Also called: BRCA2 Hereditary Breast and Ovarian Cancer. Identifiers: Orphanet 145, MedGen C2675520, MONDO:0012933, OMIM 612555. Disease mechanism: loss of function.
Familial cancer of breast. Also called: BREAST CANCER, FAMILIAL; Hereditary breast cancer; hereditary breast carcinoma. Identifiers: Orphanet 227535, MedGen C0346153, MONDO:0016419, OMIM 114480. Disease mechanism: loss of function.

Submissions (17):

Evidence-based Network for the Interpretation of Germline Mutant Alleles (ENIGMA)
Classification: Pathogenic for Breast-ovarian cancer, familial, susceptibility to, 2. Last evaluated: 2016-09-08. Review status: reviewed by expert panel. Criteria: ENIGMA BRCA1/2 Classification Criteria (2015). Collection method: curation. Allele origin: germline.
Comment: Variant allele predicted to encode a truncated non-functional protein.

Labcorp Genetics (formerly Invitae), Labcorp
Classification: Pathogenic for Hereditary breast ovarian cancer syndrome. Last evaluated: 2025-08-31. Review status: criteria provided, single submitter. Criteria: Invitae Variant Classification Sherloc (09022015). Collection method: clinical testing. Allele origin: germline. Not counted in ClinVar's aggregate classification.
Comment: This sequence change creates a premature translational stop signal (p.Lys343Asnfs*6) in the BRCA2 gene. It is expected to result in an absent or disrupted protein product. Loss-of-function variants in BRCA2 are known to be pathogenic (PMID: 20104584). This variant is not present in population databases (gnomAD no frequency). This premature translational stop signal has been observed in individual(s) with personal and/or family history of breast and/or ovarian cancer (PMID: 11179017, 21990299, 22666503, 24728189, 26556299). This variant is also known as 1257delA. ClinVar contains an entry for this variant (Variation ID: 37724). For these reasons, this variant has been classified as Pathogenic.

GeneDx
Classification: Pathogenic. Last evaluated: 2024-04-06. Review status: criteria provided, single submitter. Criteria: GeneDx Variant Classification Process June 2021. Collection method: clinical testing. Allele origin: germline. Affected: yes. Not counted in ClinVar's aggregate classification.
Comment: Frameshift variant predicted to result in protein truncation or nonsense mediated decay in a gene for which loss of function is a known mechanism of disease; Not observed at significant frequency in large population cohorts (gnomAD); Truncating variants in this gene are considered pathogenic by a well-established clinical consortium and/or database; Also known as 1257delA; This variant is associated with the following publications: (PMID: 24728189, 24504028, 22666503, 11179017, 26556299, 29625052, 26689913)

All of Us Research Program, National Institutes of Health
Classification: Pathogenic for Breast-ovarian cancer, familial, susceptibility to, 2. Last evaluated: 2023-11-28. Review status: criteria provided, single submitter. Criteria: ACMG Guidelines, 2015. Collection method: clinical testing. Allele origin: germline. Inheritance: Autosomal dominant inheritance. Observed: 1 variant allele, 1 heterozygote. Not counted in ClinVar's aggregate classification.
Comment: This variant has been reported in multiple individuals with hereditary breast and ovarian cancer syndrome (PMID: 11179017, 22666503, 24728189, 24504028, 26556299, 29446198). This variant is predicted to result in loss of protein function through nonsense-mediated decay or protein truncation. Loss of function is an established mechanism of disease. This variant is present in 1/247832 total alleles in the Genome Aggregation Database.

This study involves interpretation of variants in research participants for the purpose of population health screening. Participant phenotype was not available at the time of variant classification. Additional details can be found in publication PMID: 35346344, PMCID: PMC8962531

ARUP Laboratories, Molecular Genetics and Genomics, ARUP Laboratories
Classification: Pathogenic. Last evaluated: 2023-10-13. Review status: criteria provided, single submitter. Criteria: ARUP Molecular Germline Variant Investigation Process 2024. Collection method: clinical testing. Allele origin: germline. Not counted in ClinVar's aggregate classification.
Comment: The BRCA2 c.1029del; p.Lys343AsnfsTer6 variant (rs80359260), also known as 1257delA, is reported in the literature in several individuals affected with breast and/or ovarian cancer (Cunningham 2014, Meyer 2012, Risch 2001, Schrader 2016, Song 2014). This variant is reported in ClinVar (Variation ID: 37724), and is only observed on one allele in the Genome Aggregation Database, indicating it is not a common polymorphism. This variant causes a frameshift by deleting a single nucleotide, so it is predicted to result in a truncated protein or mRNA subject to nonsense-mediated decay. Based on available information, this variant is considered to be pathogenic. References: Cunningham JM et al. Clinical characteristics of ovarian cancer classified by BRCA1, BRCA2, and RAD51C status. Sci Rep. 2014 Feb 7;4:4026. PMID: 24504028. Meyer P et al. BRCA2 mutations and triple-negative breast cancer. PLoS One. 2012;7(5):e38361. PMID: 22666503. Risch HA et al. Prevalence and penetrance of germline BRCA1 and BRCA2 mutations in a population series of 649 women with ovarian cancer. Am J Hum Genet. 2001 Mar;68(3):700-10. PMID: 11179017. Schrader KA et al. Germline Variants in Targeted Tumor Sequencing Using Matched Normal DNA. JAMA Oncol. 2016 Jan;2(1):104-11. PMID: 26556299. Song H et al. The contribution of deleterious germline mutations in BRCA1, BRCA2 and the mismatch repair genes to ovarian cancer in the population. Hum Mol Genet. 2014 Sep 1;23(17):4703-9. PMID: 24728189.

Baylor Genetics
Classification: Pathogenic for Familial cancer of breast. Last evaluated: 2023-09-02. Review status: criteria provided, single submitter. Criteria: ACMG Guidelines, 2015. Collection method: clinical testing. Allele origin: unknown. Not counted in ClinVar's aggregate classification.

Ambry Genetics
Classification: Pathogenic for Hereditary cancer-predisposing syndrome. Last evaluated: 2023-01-30. Review status: criteria provided, single submitter. Criteria: Ambry Variant Classification Scheme 2023. Collection method: clinical testing. Allele origin: germline. Not counted in ClinVar's aggregate classification.
Comment: The c.1029delA pathogenic mutation, located in coding exon 9 of the BRCA2 gene, results from a deletion of one nucleotide at nucleotide position 1029, causing a translational frameshift with a predicted alternate stop codon (p.K343Nfs*6). This mutation has been described in multiple breast and/or ovarian cancer patients (Risch HA et al. Am. J. Hum. Genet. 2001 Mar;68:700-10; Meyer P et al. PLoS ONE. 2012;7:e38361; Cunningham JM et al. Sci Rep. 2014 Feb;4:4026). In one case control study, this alteration was detected in 2/2222 individuals with invasive epithelial ovarian cancer and 0/1528 matched controls (Song H et al. Hum. Mol. Genet. 2014 Sep;23:4703-9). This variant is considered to be rare based on population cohorts in the Genome Aggregation Database (gnomAD). In addition to the clinical data presented in the literature, this alteration is expected to result in loss of function by premature protein truncation or nonsense-mediated mRNA decay. As such, this alteration is interpreted as a disease-causing mutation.

Institute of Human Genetics, University of Leipzig Medical Center
Classification: Pathogenic for Breast-ovarian cancer, familial, susceptibility to, 2. Last evaluated: 2021-08-18. Review status: criteria provided, single submitter. Criteria: ACMG Guidelines, 2015. Collection method: clinical testing. Allele origin: unknown. Affected: yes. Not counted in ClinVar's aggregate classification.

Institute of Medical Genetics and Applied Genomics, University Hospital Tübingen
Classification: Pathogenic. Last evaluated: 2020-10-23. Review status: criteria provided, single submitter. Criteria: ACMG Guidelines, 2015. Collection method: clinical testing. Allele origin: germline. Inheritance: Autosomal unknown. Affected: yes. Not counted in ClinVar's aggregate classification.

CeGaT Center for Human Genetics Tuebingen
Classification: Pathogenic. Last evaluated: 2018-03-01. Review status: criteria provided, single submitter. Criteria: CeGaT Center For Human Genetics Tuebingen Variant Classification Criteria Version 2. Collection method: clinical testing. Allele origin: germline. Affected: yes. Observed: 1 variant allele. Not counted in ClinVar's aggregate classification.

Department of Pathology and Molecular Medicine, Queen's University
Classification: Pathogenic for Hereditary breast ovarian cancer syndrome. Last evaluated: 2017-04-20. Review status: criteria provided, single submitter. Criteria: ACMG Guidelines, 2015. Collection method: clinical testing. Allele origin: germline. Study: The Canadian Open Genetics Repository (COGR). Not counted in ClinVar's aggregate classification.

Women's Health and Genetics/Laboratory Corporation of America, LabCorp
Classification: Pathogenic for Hereditary breast ovarian cancer syndrome. Last evaluated: 2016-04-18. Review status: criteria provided, single submitter. Criteria: LabCorp Variant Classification Summary - May 2015. Collection method: clinical testing. Allele origin: germline. Not counted in ClinVar's aggregate classification.
Comment: Variant summary: The variant of interest causes a frameshift mutation resulting in a premature termination codon, a known mechanism for disease, as these types of variants are predicted to cause transcript degradation through nonsense mediated decay or produce a truncated protein. The variant of interest was not observed in controls (1000 Gs, ExAC or ESP) and has been reported in multiple affected individuals via publications. In addition, multiple reputable databases/clinical laboratories cite the variant with a classification of "pathogenic." Therefore, taking all available lines of evidence into consideration, the variant of interest is classified as Pathogenic.

Quest Diagnostics Nichols Institute San Juan Capistrano
Classification: Pathogenic for Breast-ovarian cancer, familial, susceptibility to, 2. Last evaluated: 2016-01-14. Review status: criteria provided, single submitter. Criteria: Quest Diagnostics criteria. Collection method: clinical testing. Allele origin: germline. Inheritance: Autosomal dominant inheritance. Not counted in ClinVar's aggregate classification.

Consortium of Investigators of Modifiers of BRCA1/2 (CIMBA), c/o University of Cambridge
Classification: Pathogenic for Breast-ovarian cancer, familial, susceptibility to, 2. Last evaluated: 2015-10-02. Review status: criteria provided, single submitter. Criteria: CIMBA Mutation Classification guidelines May 2016. Collection method: clinical testing. Allele origin: germline. Not counted in ClinVar's aggregate classification.

Research Molecular Genetics Laboratory, Women's College Hospital, University of Toronto
Classification: Pathogenic for Hereditary breast ovarian cancer syndrome. Last evaluated: 2014-01-31. Review status: no assertion criteria provided. Collection method: research. Allele origin: germline. Affected: yes. Study: The Canadian Open Genetics Repository (COGR). Not counted in ClinVar's aggregate classification.

Sharing Clinical Reports Project (SCRP)
Classification: Pathogenic for Breast-ovarian cancer, familial 2. Last evaluated: 2011-09-07. Review status: no assertion criteria provided. Collection method: clinical testing. Allele origin: germline. Not counted in ClinVar's aggregate classification.

Breast Cancer Information Core (BIC) (BRCA2)
Classification: Pathogenic for Breast-ovarian cancer, familial 2. Last evaluated: 1999-04-12. Review status: no assertion criteria provided. Collection method: clinical testing. Allele origin: germline. Affected: yes. Observed: 2 variant alleles. Not counted in ClinVar's aggregate classification.

Literature cited by the submitters: PubMed 20104584 (cited by Labcorp Genetics (formerly Invitae), Labcorp); PubMed 11179017 (cited by 5 submitters); PubMed 21990299 (cited by Labcorp Genetics (formerly Invitae), Labcorp); PubMed 22666503 (cited by 5 submitters); PubMed 24728189 (cited by 5 submitters); PubMed 26556299 (cited by Labcorp Genetics (formerly Invitae), Labcorp and All of Us Research Program, National Institutes of Health); PubMed 24504028 (cited by 3 submitters); PubMed 29446198 (cited by All of Us Research Program, National Institutes of Health); PubMed 26295337 (cited by Quest Diagnostics Nichols Institute San Juan Capistrano).

NM_000059.4(BRCA2):c.1029del (p.Lys343fs)

Gene: BRCA2 (BRCA2 DNA repair associated; plus strand). Cytogenetic location: 13q13.1.
Variant type: Deletion.
Coding change: c.1029del on transcript NM_000059.4 (MANE Select); coding-DNA position 1029, one base deleted (A; older notation c.1029delA).
Protein change: p.Lys343fs; shifts the reading frame from lysine 343.
Molecular consequence: frameshift variant.
Genome position (GRCh38, 1-based): chr13:32,332,507, A deleted; the last of 5 consecutive A bases (chr13:32,332,503-32,332,507); deleting any one gives the same sequence. VCF-style (leftmost placement, unchanged base first): chr13-32332502-GA-G. GRCh37 (hg19) VCF-style: chr13-32906639-GA-G.
Other names: 1257delA; c.1025delA (NM_000059.3).
Identifiers: ClinVar variation 37724 (VCV000037724.64), dbSNP rs80359260, ClinGen allele CA010596.